The following is an entry in ClinVar:

NM_016341.4(PLCE1):c.-160G>A

Gene: PLCE1 (phospholipase C epsilon 1; plus strand). Cytogenetic location: 10q23.33.
Variant type: single nucleotide variant.
Coding change: c.-160G>A on transcript NM_016341.4 (MANE Select); 160 bases upstream of the start codon, G replaced by A.
Molecular consequence: 5 prime UTR variant.
Genome position (GRCh38, 1-based): chr10:94,030,887, G>A. VCF-style: chr10-94030887-G-A. GRCh37 (hg19) VCF-style: chr10-95790644-G-A.
Other names: c.-160G>A (NM_001288989.2).
Identifiers: ClinVar variation 301675 (VCV000301675.5), dbSNP rs186468483, ClinGen allele CA10629506.

ClinVar aggregate classification (germline): Likely benign (1 of 4 stars; one submission).

Conditions:
Nephrotic syndrome, type 3 (NPHS3). Also called: NEPHROTIC SYNDROME, EARLY-ONSET, TYPE 3. Identifiers: Orphanet 656, MedGen C1853124, MONDO:0012546, OMIM 610725.

Allele frequency attached by ClinVar (database versions not stated): gnomAD 0.00029 and 0.00045; TOPMed 0.00043; gnomAD exomes 0.00078; 1000 Genomes Project 30x 0.00203; 1000 Genomes Project 0.00240.
gnomAD v4.1: 476 of 689,938 alleles (0.069%); highest among the groups gnomAD compares: East Asian, 1.2%; 6 homozygotes.

Submission:

Illumina Laboratory Services, Illumina
Classification: Likely benign for Nephrotic syndrome, type 3. Last evaluated: 2018-01-12. Review status: criteria provided, single submitter. Criteria: ICSL Variant Classification Criteria 13 December 2019. Collection method: clinical testing. Allele origin: germline.
Comment: This variant was observed in the ICSL laboratory as part of a predisposition screen in an ostensibly healthy population. It had not been previously curated by ICSL or reported in the Human Gene Mutation Database (HGMD: prior to June 1st, 2018), and was therefore a candidate for classification through an automated scoring system. Utilizing variant allele frequency, disease prevalence and penetrance estimates, and inheritance mode, an automated score was calculated to assess if this variant is too frequent to cause the disease. Based on the score and internal cut-off values, a variant classified as likely benign is not then subjected to further curation. The score for this variant resulted in a classification of likely benign for this disease.